The following is an entry in ClinVar:

ClinVar aggregate classification (germline): Conflicting classifications of pathogenicity. Review status: criteria provided, conflicting classifications (1 of 4 stars). 5 submissions from 5 submitters: Likely pathogenic (1); Uncertain significance (4). Last evaluated 2025-10-07.

Conditions:
Lynch syndrome 5 (LYNCH5). Also called: Hereditary non-polyposis colorectal cancer, type 5; Colorectal cancer, hereditary nonpolyposis, type 5. Identifiers: Orphanet 144, MedGen C1833477, MONDO:0013710, OMIM 614350. Disease mechanism: loss of function.
Hereditary nonpolyposis colorectal neoplasms. Identifiers: MedGen C0009405, MeSH D003123.
Hereditary cancer-predisposing syndrome. Also called: Hereditary Cancer Syndrome; Neoplastic Syndromes, Hereditary; Tumor predisposition; Hereditary neoplastic syndrome. Identifiers: Orphanet 140162, MedGen C0027672, MeSH D009386, MONDO:0015356.

Submissions (5):

University of Washington Department of Laboratory Medicine, University of Washington
Classification: Likely pathogenic for Lynch syndrome 5. Last evaluated: 2025-10-07. Review status: criteria provided, single submitter. Criteria: Shirts BH et al. (Am J Hum Genet 2018). Collection method: clinical testing. Allele origin: de novo. Affected: yes.
Comment: We classify the MSH6 c.2053G>C (p.Gly685Arg) variant as likely pathogenic based on internal evidence. Tumor testing demonstrated immunohistochemistry (IHC) staining for MSH6, consistent with abnormal mismatch repair (MMR) function. In addition to this variant, the tumor harbored a second pathogenic MSH6 mutation, consistent with biallelic inactivation of MSH6 and supporting PS3_supporting. The use of tumor molecular features and somatic evidence to inform germline variant classification has been described in the literature (Shirts et al., 2018. Genet Med. PMID: 29887214). As this variant arose as a de novo event in the tumor, this observation also supports application of PS2. Multiple in silico prediction tools (SIFT, PolyPhen-2, Align-GVGD) predict a deleterious effect on protein function. The glycine at codon 685 is highly conserved, and substitution with arginine represents a substantial physicochemical difference, supporting PP3. This variant is absent from large population databases, including gnomAD v4.0.0, meeting PM2_supporting. The clinical presentation of endometrial cancer with abnormal IHC for MSH6 is consistent with the tumor phenotype commonly associated with pathogenic MSH6 variants, supporting PP4. Taken together, the evidence of tumor-based biallelic inactivation, absence from population databases, conservation and deleterious in silico predictions, and clinical correlation justify a classification of likely pathogenic for the MSH6 c.2053G>C (p.Gly685Arg) variant.

Ambry Genetics
Classification: Uncertain significance for Hereditary cancer-predisposing syndrome. Last evaluated: 2024-02-13. Review status: criteria provided, single submitter. Criteria: Ambry Variant Classification Scheme 2023. Collection method: clinical testing. Allele origin: germline.
Comment: The p.G685R variant (also known as c.2053G>C), located in coding exon 4 of the MSH6 gene, results from a G to C substitution at nucleotide position 2053. The glycine at codon 685 is replaced by arginine, an amino acid with dissimilar properties. This amino acid position is highly conserved in available vertebrate species. In addition, this alteration is predicted to be deleterious by in silico analysis. Based on the available evidence, the clinical significance of this alteration remains unclear.

Color Diagnostics, LLC DBA Color Health
Classification: Uncertain significance for Hereditary cancer-predisposing syndrome. Last evaluated: 2023-12-05. Review status: criteria provided, single submitter. Criteria: ACMG Guidelines, 2015. Collection method: clinical testing. Allele origin: germline.
Comment: This missense variant replaces glycine with arginine at codon 685 of the MSH6 protein. Computational prediction suggests that this variant may have deleterious impact on protein structure and function (internally defined REVEL score threshold >= 0.7, PMID: 27666373). To our knowledge, functional studies have not been reported for this variant. This variant has not been reported in individuals affected with MSH6-related disorders in the literature. This variant has not been identified in the general population by the Genome Aggregation Database (gnomAD). The available evidence is insufficient to determine the role of this variant in disease conclusively. Therefore, this variant is classified as a Variant of Uncertain Significance.

Labcorp Genetics (formerly Invitae), Labcorp
Classification: Uncertain significance for Hereditary nonpolyposis colorectal neoplasms. Last evaluated: 2020-05-29. Review status: criteria provided, single submitter. Criteria: Invitae Variant Classification Sherloc (09022015). Collection method: clinical testing. Allele origin: germline.
Comment: This sequence change replaces glycine with arginine at codon 685 of the MSH6 protein (p.Gly685Arg). The glycine residue is highly conserved and there is a moderate physicochemical difference between glycine and arginine. This variant is not present in population databases (ExAC no frequency). This variant has not been reported in the literature in individuals with MSH6-related conditions. ClinVar contains an entry for this variant (Variation ID: 489977). Algorithms developed to predict the effect of missense changes on protein structure and function (SIFT, PolyPhen-2, Align-GVGD) all suggest that this variant is likely to be disruptive, but these predictions have not been confirmed by published functional studies and their clinical significance is uncertain. In summary, the available evidence is currently insufficient to determine the role of this variant in disease. Therefore, it has been classified as a Variant of Uncertain Significance.

Women's Health and Genetics/Laboratory Corporation of America, LabCorp
Classification: Uncertain significance. Last evaluated: 2018-01-02. Review status: criteria provided, single submitter. Criteria: LabCorp Variant Classification Summary - May 2015. Collection method: clinical testing. Allele origin: germline.
Comment: Variant summary: The MSH6 c.2053G>C (p.Gly685Arg) variant involves the alteration of a conserved nucleotide located in the DNA mismatch repair protein MutS, connector domain (InterPro). 4/4 in silico tools predict a damaging outcome for this variant (SNPsandGO not captured due to low reliability index). This variant is absent in 245326 control chromosomes. The variant of interest has not, to our knowledge, been reported in affected individuals via publications and/or reputable databases/clinical diagnostic laboratories; nor evaluated for functional impact by in vivo/vitro studies. Because of the absence of clinical information and the lack of functional studies, the variant is classified as a variant of uncertain significance (VUS) until additional information becomes available.

NM_000179.3(MSH6):c.2053G>C (p.Gly685Arg)

Gene: MSH6 (mutS homolog 6; plus strand). Cytogenetic location: 2p16.3.
Variant type: single nucleotide variant.
Coding change: c.2053G>C on transcript NM_000179.3 (MANE Select); coding-DNA position 2053, G replaced by C.
Protein change: p.Gly685Arg; replaces glycine 685 with arginine.
Molecular consequence: missense variant.
Genome position (GRCh38, 1-based): chr2:47,800,036, G>C. VCF-style: chr2-47800036-G-C. GRCh37 (hg19) VCF-style: chr2-48027175-G-C.
Other names: c.1663G>C, p.Gly555Arg (NM_001281492.2); c.1147G>C, p.Gly383Arg (NM_001281493.2, NM_001281494.2); short protein forms G685R, G383R, G555R.
Identifiers: ClinVar variation 489977 (VCV000489977.18), dbSNP rs1553413427, ClinGen allele CA346750763.
Genomic context (GRCh38, chr2:47,800,036, plus strand): 5'-GAGTCTGATTCCATTGGGTTGACACCAGGAGAGAAAAGTGAATTGGCCCTCTCTGCTCTA[G>C]GTGGTTGTGTCTTCTACCTCAAAAAATGCCTTATTGATCAGGAGCTTTTATCAATGGCTA-3'
Protein context (NP_000170.1, residues 675-695): EKSELALSAL[Gly685Arg]GCVFYLKKCL